The following is an entry in ClinVar:

ClinVar aggregate classification (germline): Benign/Likely benign. Review status: criteria provided, multiple submitters, no conflicts (2 of 4 stars). 7 submissions from 7 submitters: Benign (5); Likely benign (2). Last evaluated 2026-01-24.

Conditions:
Kabuki syndrome. Also called: Kabuki make-up syndrome; NIIKAWA-KUROKI SYNDROME. Identifiers: Orphanet 2322, MedGen C0796004, MONDO:0016512.
Kabuki syndrome 1 (KABUK1). Also called: KMT2D-Related Kabuki Syndrome. Identifiers: Orphanet 2322, MedGen CN030661, MONDO:0007843, OMIM 147920.

Allele frequency attached by ClinVar (database versions not stated): gnomAD exomes 0.00088; ExAC 0.00120; 1000 Genomes Project 0.00359; gnomAD 0.00371 and 0.00402; TOPMed 0.00403; 1000 Genomes Project 30x 0.00406; ESP Exome Variant Server 0.00491.
gnomAD v4.1: 1,092 of 1,613,738 alleles (0.068%); highest among the groups gnomAD compares: African/African-American, 1.3%; 8 homozygotes.

Submissions (7):

Labcorp Genetics (formerly Invitae), Labcorp
Classification: Benign for Kabuki syndrome. Last evaluated: 2026-01-24. Review status: criteria provided, single submitter. Criteria: Invitae Variant Classification Sherloc (09022015). Collection method: clinical testing. Allele origin: germline.

ARUP Laboratories, Molecular Genetics and Genomics, ARUP Laboratories
Classification: Benign. Last evaluated: 2025-07-08. Review status: criteria provided, single submitter. Criteria: ARUP Molecular Germline Variant Investigation Process 2024. Collection method: clinical testing. Allele origin: germline.

Blueprint Genetics
Classification: Likely benign. Last evaluated: 2024-07-15. Review status: criteria provided, single submitter. Criteria: ACMG Guidelines, 2015. Collection method: clinical testing. Allele origin: germline.

Fulgent Genetics
Classification: Likely benign for Kabuki syndrome 1. Last evaluated: 2022-04-04. Review status: criteria provided, single submitter. Criteria: ACMG Guidelines, 2015. Collection method: clinical testing. Allele origin: unknown.

GeneDx
Classification: Benign. Last evaluated: 2020-01-21. Review status: criteria provided, single submitter. Criteria: GeneDx Variant Classification Process June 2021. Collection method: clinical testing. Allele origin: germline. Affected: yes.
Comment: This variant is associated with the following publications: (PMID: 30459467)

Athena Diagnostics
Classification: Benign. Last evaluated: 2018-07-09. Review status: criteria provided, single submitter. Criteria: Athena Diagnostics Criteria. Collection method: clinical testing. Allele origin: germline.

Eurofins Ntd Llc (ga)
Classification: Benign. Last evaluated: 2017-02-28. Review status: criteria provided, single submitter. Criteria: EGL Classification Definitions 2015. Collection method: clinical testing. Allele origin: germline. Observed: 1 variant allele, 1 heterozygote.

NM_003482.4(KMT2D):c.6076A>G (p.Ile2026Val)

Gene: KMT2D (lysine methyltransferase 2D; minus strand). Cytogenetic location: 12q13.12.
Variant type: single nucleotide variant.
Coding change: c.6076A>G on transcript NM_003482.4 (MANE Select); coding-DNA position 6076, A replaced by G.
Protein change: p.Ile2026Val; replaces isoleucine 2026 with valine.
Molecular consequence: missense variant.
Genome position (GRCh38, 1-based): chr12:49,042,122, T>C on the plus strand (A>G on the coding strand, the complement: KMT2D is on the minus strand). VCF-style: chr12-49042122-T-C. GRCh37 (hg19) VCF-style: chr12-49435905-T-C.
Other names: short protein forms I2026V.
Identifiers: ClinVar variation 500446 (VCV000500446.21), dbSNP rs190995850, ClinGen allele CA6547378.
Genomic context (GRCh38, chr12:49,042,122, plus strand): 5'-TCTCCCTTGCCCTCATCCCACAGGTACCTGGGTAGTCTTGCTTGAGATTAGGAAAATTAA[T>C]GTTGGCATAGAGCACAGGTGAGATGGTGGACAGCTGGCCCAACTCCTCATCCTTCTCCCA-3'
Protein context (NP_003473.3, residues 2016-2036): STISPVLYAN[Ile2026Val]NFPNLKQDYP